The following is an entry in ClinVar:

ClinVar aggregate classification (germline): Uncertain significance (1 of 4 stars; one submission).

Submission:

Labcorp Genetics (formerly Invitae), Labcorp
Classification: Uncertain significance. Last evaluated: 2021-09-01. Review status: criteria provided, single submitter. Criteria: Invitae Variant Classification Sherloc (09022015). Collection method: clinical testing. Allele origin: germline.
Comment: This sequence change replaces isoleucine with valine at codon 492 of the SLC25A12 protein (p.Ile492Val). The isoleucine residue is highly conserved and there is a small physicochemical difference between isoleucine and valine. This variant is not present in population databases (ExAC no frequency). This variant has not been reported in the literature in individuals affected with SLC25A12-related conditions. Algorithms developed to predict the effect of missense changes on protein structure and function (SIFT, PolyPhen-2, Align-GVGD) all suggest that this variant is likely to be tolerated. In summary, the available evidence is currently insufficient to determine the role of this variant in disease. Therefore, it has been classified as a Variant of Uncertain Significance.

NM_003705.5(SLC25A12):c.1474A>G (p.Ile492Val)

Gene: SLC25A12 (solute carrier family 25 member 12; minus strand). Cytogenetic location: 2q31.1.
Variant type: single nucleotide variant.
Coding change: c.1474A>G on transcript NM_003705.5 (MANE Select); coding-DNA position 1474, A replaced by G.
Protein change: p.Ile492Val; replaces isoleucine 492 with valine.
Molecular consequence: missense variant. On other transcripts: non-coding transcript variant (1).
Genome position (GRCh38, 1-based): chr2:171,791,562, T>C on the plus strand (A>G on the coding strand, the complement: SLC25A12 is on the minus strand). VCF-style: chr2-171791562-T-C. GRCh37 (hg19) VCF-style: chr2-172648072-T-C.
Other names: short protein forms I492V.
Identifiers: ClinVar variation 935227 (VCV000935227.7), dbSNP rs1683457851, ClinGen allele CA349288887.